The following is an entry in ClinVar:

ClinVar aggregate classification (germline): Likely pathogenic (1 of 4 stars; one submission).

Conditions:
Aniridia 1 (AN1). Identifiers: Orphanet 250923, MedGen C0344542, MONDO:0024507, OMIM 106210.
Irido-corneo-trabecular dysgenesis (ASGD5). Also called: ANTERIOR SEGMENT DYSGENESIS 5. Identifiers: Orphanet 708, MedGen C0344559, MONDO:0011414, OMIM 604229, HP:0000659.

Submission:

Labcorp Genetics (formerly Invitae), Labcorp
Classification: Likely pathogenic for Aniridia 1; Irido-corneo-trabecular dysgenesis. Last evaluated: 2022-07-16. Review status: criteria provided, single submitter. Criteria: Invitae Variant Classification Sherloc (09022015). Collection method: clinical testing. Allele origin: germline.
Comment: This sequence change replaces cysteine, which is neutral and slightly polar, with tryptophan, which is neutral and slightly polar, at codon 52 of the PAX6 protein (p.Cys52Trp). In summary, the currently available evidence indicates that the variant is pathogenic, but additional data are needed to prove that conclusively. Therefore, this variant has been classified as Likely Pathogenic. This variant disrupts the p.Cys52 amino acid residue in PAX6. Other variant(s) that disrupt this residue have been determined to be pathogenic (PMID: 12388550, 12552561, 30167917). This suggests that this residue is clinically significant, and that variants that disrupt this residue are likely to be disease-causing. Algorithms developed to predict the effect of sequence changes on RNA splicing suggest that this variant may create or strengthen a splice site. Advanced modeling of protein sequence and biophysical properties (such as structural, functional, and spatial information, amino acid conservation, physicochemical variation, residue mobility, and thermodynamic stability) performed at Invitae indicates that this missense variant is expected to disrupt PAX6 protein function. This missense change has been observed in individual(s) with clinical features of PAX6-related conditions (Invitae). This variant is not present in population databases (gnomAD no frequency).

Literature cited by the submitters: PubMed 12388550; PubMed 12552561; PubMed 30167917.

NM_001368894.2(PAX6):c.198T>G (p.Cys66Trp)

Gene: PAX6 (paired box 6; minus strand). Cytogenetic location: 11p13.
Variant type: single nucleotide variant.
Coding change: c.198T>G on transcript NM_001368894.2 (MANE Select); coding-DNA position 198, T replaced by G.
Protein change: p.Cys66Trp; replaces cysteine 66 with tryptophan.
Molecular consequence: missense variant. On other transcripts: 5 prime UTR variant (14), non-coding transcript variant (2).
Genome position (GRCh38, 1-based): chr11:31,801,762, A>C on the plus strand (T>G on the coding strand, the complement: PAX6 is on the minus strand). VCF-style: chr11-31801762-A-C. GRCh37 (hg19) VCF-style: chr11-31823310-A-C.
Other names: c.156T>G, p.Cys52Trp (NM_000280.6, NM_001127612.3, NM_001258464.2 and 11 more transcripts); c.198T>G, p.Cys66Trp (NM_001258462.3, NM_001258463.2, NM_001310158.2 and 13 more transcripts); c.-584T>G (NM_001310160.2, NM_001368902.2, NM_001368905.2); c.-253T>G (NM_001310161.3, NM_001368899.2, NM_001368900.2 and 8 more transcripts); c.399T>G, p.Cys133Trp (NM_001368910.2); c.201T>G, p.Cys67Trp (NM_001368911.2); c.273T>G, p.Cys91Trp (NM_001368918.2, NM_001368919.2); c.231T>G, p.Cys77Trp (NM_001368920.2); short protein forms C66W, C67W, C133W, C77W, C52W, C91W.
Identifiers: ClinVar variation 2017721 (VCV002017721.4), dbSNP rs1283307441, ClinGen allele CA379959088.